The following is an entry in ClinVar:

ClinVar aggregate classification (germline): Uncertain significance. Review status: criteria provided, multiple submitters, no conflicts (2 of 4 stars). 2 submissions from 2 submitters: Uncertain significance (2). Last evaluated 2026-04-14.

Conditions:
Familial intrahepatic cholestasis. Identifiers: Orphanet 284385, MedGen CN296401, MONDO:0017290.
Benign recurrent intrahepatic cholestasis type 2 (BRIC2). Also called: Recurrent familial intrahepatic cholestasis 2. Identifiers: Orphanet 65682, Orphanet 99961, MedGen C2608083, MONDO:0011559, OMIM 605479.

Submissions (2):

Genomenon, Inc
Classification: Uncertain significance for Familial intrahepatic cholestasis. Last evaluated: 2026-04-14. Review status: criteria provided, single submitter. Criteria: Genomenon Sequence Variant Interpretation Standards - Updated. Collection method: curation. Allele origin: germline. Affected: no.
Comment: ABCB11 p.Gly952Arg (c.2854G>A) is a missense variant that changes the amino acid at residue 952 from Glycine to Arginine. This variant has been reported in the published literature (PMID:34677006). It is absent or not present at a significant frequency in gnomAD. In silico models predict that this variant is possibly or probably damaging. In conclusion, we classify ABCB11 p.Gly952Arg (c.2854G>A) as a variant of uncertain significance.

Neuberg Centre For Genomic Medicine, NCGM
Classification: Uncertain significance for Benign recurrent intrahepatic cholestasis type 2. Review status: criteria provided, single submitter. Criteria: ACMG Guidelines, 2015. Collection method: clinical testing. Allele origin: germline. Inheritance: Autosomal recessive inheritance. Affected: yes.
Comment: The missense c.2854G>A p.Gly952Arg variant in ABCB11 gene has not been reported previously as a pathogenic variant nor as a benign variant, to our knowledge. The p.Gly952Arg variant is novel not in any individuals in both gnomAD Exomes and 1000 Genomes databases. The amino acid change p.Gly952Arg in ABCB11 is predicted as conserved by GERP++ and PhyloP across 100 vertebrates. This variant has not been reported to the ClinVar database. The amino acid Gly at position 952 is changed to a Arg changing protein sequence and it might alter its composition and physico-chemical properties. For these reasons, this variant has been classified as a Variant of Uncertain Significance VUS. In the absence of another reportable variant in the ABCB11 gene, the molecular diagnosis is not confirmed.

Literature cited by the submitters: PubMed 34677006 (cited by Genomenon, Inc).

NM_003742.4(ABCB11):c.2854G>A (p.Gly952Arg)

Genes: ABCB11 (ATP binding cassette subfamily B member 11; minus strand), LOC126806400 (CDK7 strongly-dependent group 2 enhancer GRCh37_chr2:169791870-169793069; plus strand). Cytogenetic location: 2q31.1.
Variant type: single nucleotide variant.
Coding change: c.2854G>A on transcript NM_003742.4 (MANE Select); coding-DNA position 2854, G replaced by A.
Protein change: p.Gly952Arg; replaces glycine 952 with arginine.
Molecular consequence: missense variant.
Genome position (GRCh38, 1-based): chr2:168,935,386, C>T on the plus strand (G>A on the coding strand, the complement: ABCB11 is on the minus strand). VCF-style: chr2-168935386-C-T. GRCh37 (hg19) VCF-style: chr2-169791896-C-T.
Other names: short protein forms G952R.
Identifiers: ClinVar variation 3235022 (VCV003235022.2), dbSNP rs2545267153, ClinGen allele CA349124136.
Genomic context (GRCh38, chr2:168,935,386, plus strand): 5'-TGAAGGGCTTCTCCAGCTCAGTCTCAAGTGCTTCAATGAACCGCCTCTCCTTTCCAATTC[C>T]AGCAACAGTGCGGATGTTACTGAGGGCTTCATTTGTAATCTGAAGATTGAAAAAGAGTCT-3'
Protein context (NP_003733.2, residues 942-962): EALSNIRTVA[Gly952Arg]IGKERRFIEA